The following is an entry in ClinVar:

NM_002936.6(RNASEH1):c.474A>G (p.Ala158=)

Gene: RNASEH1 (ribonuclease H1; minus strand). Cytogenetic location: 2p25.3.
Variant type: single nucleotide variant.
Coding change: c.474A>G on transcript NM_002936.6 (MANE Select); coding-DNA position 474, A replaced by G.
Protein change: p.Ala158=; no amino-acid change (alanine 158 retained).
Molecular consequence: synonymous variant. On other transcripts: non-coding transcript variant (7).
Genome position (GRCh38, 1-based): chr2:3,550,408, T>C on the plus strand (A>G on the coding strand, the complement: RNASEH1 is on the minus strand). VCF-style: chr2-3550408-T-C. GRCh37 (hg19) VCF-style: chr2-3597998-T-C.
Other names: p.Ala158=; c.396A>G, p.Ala132= (NM_001286834.3); c.123A>G, p.Ala41= (NM_001286837.3); c.474A>G, p.Ala158= (NM_001378271.1, NM_001378273.1); c.471A>G, p.Ala157= (NM_001378272.1); c.474A>G (NM_002936.5).
Identifiers: ClinVar variation 730250 (VCV000730250.47), dbSNP rs61738918, ClinGen allele CA1516254.
Genomic context (GRCh38, chr2:3,550,408, plus strand): 5'-TAAAACTCAGCTTCGTTTAACTTACAAAGGATGGCCTGGCCCCCAGTAAACGCCGATTCC[T>C]GCTCGCGGCCTTCTACGCCCATTACTGGAGCAGCAGCCATCAGTGTAGACGACGACGAAG-3'
Protein context (NP_002927.2, residues 148-168): CSSNGRRRPR[Ala158=]GIGVYWGPGH

ClinVar aggregate classification (germline): Likely benign. Review status: criteria provided, multiple submitters, no conflicts (2 of 4 stars). 7 submissions from 7 submitters: Likely benign (6). 1 of the submissions does not count toward it. Last evaluated 2026-02-02.

Conditions:
RNASEH1-related disorder. Also called: RNASEH1-related condition.

Allele frequency attached by ClinVar (database versions not stated): 1000 Genomes Project 30x 0.00078; 1000 Genomes Project 0.00080; gnomAD 0.00110 and 0.00115; TOPMed 0.00117; gnomAD exomes 0.00159 and 0.00212; ExAC 0.00176; ESP Exome Variant Server 0.00177.
gnomAD v4.1: 3,268 of 1,614,170 alleles (0.2%); highest among the groups gnomAD compares: Middle Eastern, 0.38%; 6 homozygotes.

Submissions (7):

Labcorp Genetics (formerly Invitae), Labcorp
Classification: Likely benign. Last evaluated: 2026-02-02. Review status: criteria provided, single submitter. Criteria: Invitae Variant Classification Sherloc (09022015). Collection method: clinical testing. Allele origin: germline.

Mayo Clinic Laboratories, Mayo Clinic
Classification: Likely benign. Last evaluated: 2025-08-22. Review status: criteria provided, single submitter. Criteria: ACMG Guidelines, 2015. Collection method: clinical testing. Allele origin: germline. Observed: 9 variant alleles.
Comment: BS2, BP4, BP7

CeGaT Center for Human Genetics Tuebingen
Classification: Likely benign. Last evaluated: 2025-03-01. Review status: criteria provided, single submitter. Criteria: CeGaT Center For Human Genetics Tuebingen Variant Classification Criteria Version 2. Collection method: clinical testing. Allele origin: germline. Affected: yes. Observed: 6 variant alleles.
Comment: RNASEH1: BP4, BP7

Blueprint Genetics
Classification: Likely benign. Last evaluated: 2024-11-23. Review status: criteria provided, single submitter. Criteria: ACMG Guidelines, 2015. Collection method: clinical testing. Allele origin: germline.

GeneDx
Classification: Likely benign. Last evaluated: 2020-11-17. Review status: criteria provided, single submitter. Criteria: GeneDx Variant Classification Process June 2021. Collection method: clinical testing. Allele origin: germline. Affected: yes.

Breakthrough Genomics
Classification: Likely benign. Review status: criteria provided, single submitter. Criteria: ACMG Guidelines, 2015. Collection method: not provided. Allele origin: germline. Inheritance: Autosomal recessive inheritance. Affected: yes.

PreventionGenetics, part of Exact Sciences
Classification: Likely benign for RNASEH1-related condition. Last evaluated: 2019-04-15. Review status: no assertion criteria provided. Collection method: clinical testing. Allele origin: germline. Not counted in ClinVar's aggregate classification.
Comment: This variant is classified as likely benign based on ACMG/AMP sequence variant interpretation guidelines (Richards et al. 2015 PMID: 25741868, with internal and published modifications).